The following is an entry in ClinVar:

NM_000038.6(APC):c.317G>A (p.Arg106His)

Gene: APC (APC regulator of Wnt signaling pathway; plus strand). Cytogenetic location: 5q22.2.
Variant type: single nucleotide variant.
Coding change: c.317G>A on transcript NM_000038.6 (MANE Select); coding-DNA position 317, G replaced by A.
Protein change: p.Arg106His; replaces arginine 106 with histidine.
Molecular consequence: missense variant. On other transcripts: 5 prime UTR variant (1).
Genome position (GRCh38, 1-based): chr5:112,767,285, G>A. VCF-style: chr5-112767285-G-A. GRCh37 (hg19) VCF-style: chr5-112102982-G-A.
Other names: c.317G>A, p.Arg106His (NM_001127510.3, NM_001354895.2, NM_001354896.2 and 2 more transcripts); c.347G>A, p.Arg116His (NM_001127511.3, NM_001354897.2, NM_001354902.2); c.242G>A, p.Arg81His (NM_001354898.2, NM_001354904.2); c.140G>A, p.Arg47His (NM_001354900.2, NM_001354901.2, NM_001354905.2); c.-719G>A (NM_001354906.2); short protein forms R106H, R116H, R47H, R81H.
Identifiers: ClinVar variation 41524 (VCV000041524.76), dbSNP rs201764637, ClinGen allele CA008128.

ClinVar aggregate classification (germline): Conflicting classifications of pathogenicity. Review status: criteria provided, conflicting classifications (1 of 4 stars). 15 submissions from 15 submitters: Uncertain significance (8); Benign (1); Likely benign (3). 3 of the submissions do not count toward it. Last evaluated 2026-01-31.

Conditions:
Classic or attenuated familial adenomatous polyposis. Identifiers: MedGen CN372698, MONDO:0021057.
Hereditary cancer-predisposing syndrome. Also called: Hereditary neoplastic syndrome; Neoplastic Syndromes, Hereditary; Hereditary Cancer Syndrome; Tumor predisposition. Identifiers: Orphanet 140162, MedGen C0027672, MeSH D009386, MONDO:0015356.
Familial multiple polyposis syndrome (FAP). Also called: Familial adenomatous polyposis; Familial intestinal polyposis; Familial polyposis; Classic familial adenomatous polyposis; Familial Adenomatous Polyposis (FAP). Identifiers: Orphanet 733, MedGen C0032580, MONDO:0021055. Disease mechanism: loss of function.
Familial adenomatous polyposis 1 (FAP1). Also called: FAMILIAL ADENOMATOUS POLYPOSIS 1, ATTENUATED; POLYPOSIS, ADENOMATOUS INTESTINAL. Identifiers: MedGen C2713442, MONDO:0021056, OMIM 175100. Disease mechanism: loss of function.

Allele frequency attached by ClinVar (database versions not stated): gnomAD exomes 0.00006 and 0.00003; 1000 Genomes Project 30x 0.00016; 1000 Genomes Project 0.00020; TOPMed 0.00003; ExAC 0.00004; gnomAD 0.00004.

Submissions 1 to 14 of 15:

Labcorp Genetics (formerly Invitae), Labcorp
Classification: Uncertain significance for Familial adenomatous polyposis 1. Last evaluated: 2026-01-31. Review status: criteria provided, single submitter. Criteria: Invitae Variant Classification Sherloc (09022015). Collection method: clinical testing. Allele origin: germline.
Comment: This sequence change replaces arginine, which is basic and polar, with histidine, which is basic and polar, at codon 106 of the APC protein (p.Arg106His). This variant is present in population databases (rs201764637, gnomAD 0.02%). This missense change has been observed in individual(s) with familial adenomatous polyposis (PMID: 18199528). ClinVar contains an entry for this variant (Variation ID: 41524). Invitae Evidence Modeling of protein sequence and biophysical properties (such as structural, functional, and spatial information, amino acid conservation, physicochemical variation, residue mobility, and thermodynamic stability) indicates that this missense variant is not expected to disrupt APC protein function with a negative predictive value of 95%. In summary, the available evidence is currently insufficient to determine the role of this variant in disease. Therefore, it has been classified as a Variant of Uncertain Significance.

Quest Diagnostics Nichols Institute San Juan Capistrano
Classification: Likely benign. Last evaluated: 2025-09-18. Review status: criteria provided, single submitter. Criteria: Quest Diagnostics criteria. Collection method: clinical testing. Allele origin: unknown.

Color Diagnostics, LLC DBA Color Health
Classification: Likely benign for Hereditary cancer-predisposing syndrome. Last evaluated: 2025-03-24. Review status: criteria provided, single submitter. Criteria: ACMG Guidelines, 2015. Collection method: clinical testing. Allele origin: germline.

Myriad Genetics, Inc.
Classification: Likely benign for Familial adenomatous polyposis 1. Last evaluated: 2025-02-03. Review status: criteria provided, single submitter. Criteria: Myriad Autosomal Dominant, Autosomal Recessive and X-Linked Classification Criteria (2023). Collection method: clinical testing. Allele origin: unknown.
Comment: This variant is considered likely benign. This variant has been observed at a population frequency that is significantly greater than expected given the associated disease prevalence and penetrance.

All of Us Research Program, National Institutes of Health
Classification: Uncertain significance for Classic or attenuated familial adenomatous polyposis. Last evaluated: 2024-08-06. Review status: criteria provided, single submitter. Criteria: ACMG Guidelines, 2015. Collection method: clinical testing. Allele origin: germline. Inheritance: Autosomal dominant inheritance. Observed: 8 variant alleles, 8 heterozygotes.
Comment: This missense variant replaces arginine with histidine at codon 106 of the APC protein. Computational prediction suggests that this variant may not impact protein structure and function (internally defined REVEL score threshold <= 0.5, PMID: 27666373). To our knowledge, functional studies have not been reported for this variant. This variant has been reported in an individual affected with adenomatous polyposis (PMID: 18199528, 21859464). This variant has also been identified in 13/282866 chromosomes in the general population by the Genome Aggregation Database (gnomAD). The available evidence is insufficient to determine the role of this variant in disease conclusively. Therefore, this variant is classified as a Variant of Uncertain Significance.

This study involves interpretation of variants in research participants for the purpose of population health screening. Participant phenotype was not available at the time of variant classification. Additional details can be found in publication PMID: 35346344, PMCID: PMC8962531

GeneDx
Classification: Uncertain significance. Last evaluated: 2024-03-26. Review status: criteria provided, single submitter. Criteria: GeneDx Variant Classification Process June 2021. Collection method: clinical testing. Allele origin: germline. Affected: yes.
Comment: In silico analysis supports that this missense variant does not alter protein structure/function; This variant is associated with the following publications: (PMID: 29422544, 21859464, 22703879, 29413759, 29245953, 18199528)

Sema4
Classification: Uncertain significance for Hereditary cancer-predisposing syndrome. Last evaluated: 2022-01-20. Review status: criteria provided, single submitter. Criteria: Sema4 Curation Guidelines. Collection method: curation. Allele origin: germline.
Comment: The APC c.317G>A (p.R106H) variant has been reported in an individual with non-familial adenomatous polyposis (PMID 18199528), as a somatic variant in an individual with colorectal cancer (PMID 29245953), and in a participant in a clinical study of individuals with no personal or family histories of cancer (PMID 22703879). This variant was observed in 7/30616 chromosomes in the South Asian population, according to the Genome Aggregation Database (PMID: 32461654). The subpopulation frequency of this variant is higher than expected for a pathogenic variant based on disease/syndrome prevalence and penetrance. This variant has been reported in ClinVar (Variation ID 41524). Functional studies have not been performed and in silico tool predictions of the variants effect on protein function are inconclusive. There is no indication that this variant causes disease, but the evidence is insufficient currently to prove that conclusively. In summary, the clinical significance of this variant is currently uncertain.

Ambry Genetics
Classification: Benign for Hereditary cancer-predisposing syndrome. Last evaluated: 2021-05-14. Review status: criteria provided, single submitter. Criteria: Ambry Variant Classification Scheme 2023. Collection method: clinical testing. Allele origin: germline.

Women's Health and Genetics/Laboratory Corporation of America, LabCorp
Classification: Uncertain significance. Last evaluated: 2020-10-05. Review status: criteria provided, single submitter. Criteria: LabCorp Variant Classification Summary - May 2015. Collection method: clinical testing. Allele origin: germline.
Comment: Variant summary: APC c.317G>A (p.Arg106His) results in a non-conservative amino acid change in the encoded protein sequence. Four of five in-silico tools predict a benign effect of the variant on protein function. The variant allele was found at a frequency of 4.6e-05 in 284804 control chromosomes, predominantly at a frequency of 0.00023 within the South Asian subpopulation in the gnomAD database. The available data on variant occurrences in the general population are insufficient to allow any conclusion about variant significance. c.317G>A has been reported in the literature in at least an individual affected with familial adenomatous polyposis (Azzopard_2008). This report however, does not provide unequivocal conclusions about association of the variant with Familial Adenomatous Polyposis. To our knowledge, no experimental evidence demonstrating an impact on protein function has been reported. Nine other ClinVar submitters (evaluation after 2014) cite the variant as uncertain significance. Based on the evidence outlined above, the variant was classified as uncertain significance.

PreventionGenetics, part of Exact Sciences
Classification: Uncertain significance. Last evaluated: 2017-11-20. Review status: criteria provided, single submitter. Criteria: ACMG Guidelines, 2015. Collection method: clinical testing. Allele origin: germline.

Center for Human Genetics, Inc
Classification: Uncertain significance for Familial multiple polyposis syndrome. Last evaluated: 2016-11-01. Review status: criteria provided, single submitter. Criteria: ACMG Guidelines, 2015. Collection method: clinical testing. Allele origin: germline. Affected: yes.

Laboratory for Molecular Medicine, Mass General Brigham Personalized Medicine
Classification: Uncertain significance. Last evaluated: 2016-06-23. Review status: criteria provided, single submitter. Criteria: LMM Criteria. Collection method: clinical testing. Allele origin: germline.
Comment: Variant identified in a genome or exome case(s) and assessed due to predicted null impact of the variant or pathogenic assertions in the literature or databases. Disclaimer: This variant has not undergone full assessment.

Counsyl
Classification: Uncertain significance for Familial adenomatous polyposis 1. Last evaluated: 2016-11-11. Review status: no assertion criteria provided. Collection method: clinical testing. Allele origin: unknown. Not counted in ClinVar's aggregate classification.

Biesecker Lab/Clinical Genomics Section, National Institutes of Health
Classification: Uncertain significance. Last evaluated: 2012-07-13. Review status: no assertion criteria provided. Collection method: research. Allele origin: germline. Affected: no. Observed: 1 variant allele. Study: ClinSeq. Not counted in ClinVar's aggregate classification.
ClinVar note: Converted during submission from variant of unknown significance to Uncertain significance.